The following is an entry in ClinVar:

ClinVar aggregate classification (germline): Uncertain significance (1 of 4 stars; one submission).

Conditions:
Inborn genetic diseases. Identifiers: MedGen C0950123, MeSH D030342.

gnomAD v4.1: 1 of 1,613,786 alleles (0.000062%); highest among the groups gnomAD compares: Non-Finnish European, 0.000085%; no homozygotes.

Submission:

Ambry Genetics
Classification: Uncertain significance for Inborn genetic diseases. Last evaluated: 2024-11-25. Review status: criteria provided, single submitter. Criteria: Ambry Variant Classification Scheme 2023. Collection method: clinical testing. Allele origin: germline.
Comment: The p.N907D variant (also known as c.2719A>G), located in coding exon 11 of the MECOM gene, results from an A to G substitution at nucleotide position 2719. The asparagine at codon 907 is replaced by aspartic acid, an amino acid with highly similar properties. This amino acid position is conserved. In addition, this alteration is predicted to be tolerated by in silico analysis. Based on the available evidence, the clinical significance of this variant remains unclear.

NM_004991.4(MECOM):c.2719A>G (p.Asn907Asp)

Gene: MECOM (MDS1 and EVI1 complex locus; minus strand). Cytogenetic location: 3q26.2.
Variant type: single nucleotide variant.
Coding change: c.2719A>G on transcript NM_004991.4 (MANE Select); coding-DNA position 2719, A replaced by G.
Protein change: p.Asn907Asp; replaces asparagine 907 with aspartic acid.
Molecular consequence: missense variant.
Genome position (GRCh38, 1-based): chr3:169,102,112, T>C on the plus strand (A>G on the coding strand, the complement: MECOM is on the minus strand). VCF-style: chr3-169102112-T-C. GRCh37 (hg19) VCF-style: chr3-168819900-T-C.
Other names: c.2350A>G, p.Asn784Asp (NM_001105077.4); c.2155A>G, p.Asn719Asp (NM_001105078.4, NM_001205194.2, NM_001366469.2 and 1 more transcripts); c.2131A>G, p.Asn711Asp (NM_001163999.2, NM_001366470.2); c.2128A>G, p.Asn710Asp (NM_001164000.2, NM_001366471.2, NM_001366472.2); c.2692A>G, p.Asn898Asp (NM_001366466.2); c.2158A>G, p.Asn720Asp (NM_001366467.2, NM_001366468.2); c.1720A>G, p.Asn574Asp (NM_001366473.2); c.1156A>G, p.Asn386Asp (NM_001366474.2); short protein forms N386D, N719D, N784D, N574D, N710D, N711D, N907D, N720D.
Identifiers: ClinVar variation 3394316 (VCV003394316.1).
Genomic context (GRCh38, chr3:169,102,112, plus strand): 5'-GCAGTTACCTGCAGGTATAGCGCTCCTTTCCCTTCCGCAGAAGGTTCTCTGGCAGGGCAT[T>C]GGGAGGCGCCCTGAAGTTGAACATAGAGGGCACTGACTGTAAGAGCTCACTGGCCTCAGG-3'
Protein context (NP_004982.2, residues 897-917): PSMFNFRAPP[Asn907Asp]ALPENLLRKG